The following is an entry in ClinVar:

ClinVar aggregate classification (germline): Uncertain significance (1 of 4 stars; one submission).

Conditions:
Ataxia-telangiectasia syndrome (AT). Also called: ATAXIA-TELANGIECTASIA, COMPLEMENTATION GROUP A; ATAXIA-TELANGIECTASIA, FRESNO VARIANT; Ataxia-telangiectasia, complementation group E; Ataxia telangiectasia (A-T); LOUIS-BAR SYNDROME; Cerebello-oculocutaneous telangiectasia. Identifiers: Orphanet 100, MedGen C0004135, MONDO:0008840, OMIM 208900.

Submission:

Labcorp Genetics (formerly Invitae), Labcorp
Classification: Uncertain significance for Ataxia-telangiectasia syndrome. Last evaluated: 2023-01-20. Review status: criteria provided, single submitter. Criteria: Invitae Variant Classification Sherloc (09022015). Collection method: clinical testing. Allele origin: germline.
Comment: In summary, the available evidence is currently insufficient to determine the role of this variant in disease. Therefore, it has been classified as a Variant of Uncertain Significance. Experimental studies and prediction algorithms are not available or were not evaluated, and the functional significance of this variant is currently unknown. This variant has not been reported in the literature in individuals affected with ATM-related conditions. This variant results in a copy number gain of the genomic region encompassing exon(s) 57-61 of the ATM gene. While the exact position of this variant cannot be determined from the data, sub-genic copy number gains are generally in tandem (PMID: 25640679). This variant is predicted to be in-frame, and likely preserves the integrity of the reading frame.

Literature cited by the submitters: PubMed 25640679.

NC_000011.10:g.(?_108343212)_(108354884_?)dup

Gene: ATM (ATM serine/threonine kinase; plus strand). Cytogenetic location: 11q22.3.
Variant type: Duplication.
Identifiers: ClinVar variation 831506 (VCV000831506.6).